The following is an entry in ClinVar:

NM_001754.5(RUNX1):c.229A>G (p.Ser77Gly)

Gene: RUNX1 (RUNX family transcription factor 1; minus strand). Cytogenetic location: 21q22.12.
Variant type: single nucleotide variant.
Coding change: c.229A>G on transcript NM_001754.5 (MANE Select); coding-DNA position 229, A replaced by G.
Protein change: p.Ser77Gly; replaces serine 77 with glycine.
Molecular consequence: missense variant.
Genome position (GRCh38, 1-based): chr21:34,886,965, T>C on the plus strand (A>G on the coding strand, the complement: RUNX1 is on the minus strand). VCF-style: chr21-34886965-T-C. GRCh37 (hg19) VCF-style: chr21-36259262-T-C.
Other names: c.148A>G, p.Ser50Gly (NM_001001890.3, NM_001122607.2); short protein forms S77G, S50G.
Identifiers: ClinVar variation 4843707 (VCV004843707.1).
Genomic context (GRCh38, chr21:34,886,965, plus strand): 5'-AGTTGGGGCTGTCGGTGCGCACCAGCTCGCCCGGGTGGTCGGCCAGCACCTCCACCATGC[T>C]GCGGTCGCCGCTCCTCAGCTTGCCGGCCAGGGCAGCGCCGGCGTCCGGGGCGCCCAGCGG-3'
Protein context (NP_001745.2, residues 67-87): LAGKLRSGDR[Ser77Gly]MVEVLADHPG

ClinVar aggregate classification (germline): Uncertain significance (1 of 4 stars; one submission).

Conditions:
Inborn genetic diseases. Identifiers: MedGen C0950123, MeSH D030342.

Submission:

Ambry Genetics
Classification: Uncertain significance for Inborn genetic diseases. Last evaluated: 2025-12-30. Review status: criteria provided, single submitter. Criteria: Ambry Variant Classification Scheme 2023. Collection method: clinical testing. Allele origin: germline.
Comment: The p.S77G variant (also known as c.229A>G), located in coding exon 3 of the RUNX1 gene, results from an A to G substitution at nucleotide position 229. The serine at codon 77 is replaced by glycine, an amino acid with similar properties. This amino acid position is highly conserved in available vertebrate species. In addition, the in silico prediction for this alteration is inconclusive. Based on the available evidence, the clinical significance of this variant remains unclear.